The following is an entry in ClinVar:

NM_020458.4(TTC7A):c.1337C>T (p.Ser446Leu)

Gene: TTC7A (tetratricopeptide repeat domain 7A; plus strand). Cytogenetic location: 2p21.
Variant type: single nucleotide variant.
Coding change: c.1337C>T on transcript NM_020458.4 (MANE Select); coding-DNA position 1337, C replaced by T.
Protein change: p.Ser446Leu; replaces serine 446 with leucine.
Molecular consequence: missense variant.
Genome position (GRCh38, 1-based): chr2:47,011,380, C>T. VCF-style: chr2-47011380-C-T. GRCh37 (hg19) VCF-style: chr2-47238519-C-T.
Other names: c.1337C>T, p.Ser446Leu (LRG_1323t1, NM_001288951.2); c.1235C>T, p.Ser412Leu (NM_001288953.2); c.275C>T, p.Ser92Leu (NM_001288955.2); short protein forms S446L, S412L, S92L.
Identifiers: ClinVar variation 528475 (VCV000528475.16), dbSNP rs114202807, ClinGen allele CA1647619.

ClinVar aggregate classification (germline): Conflicting classifications of pathogenicity. Review status: criteria provided, conflicting classifications (1 of 4 stars). 4 submissions from 4 submitters: Uncertain significance (1); Likely benign (2). 1 of the submissions does not count toward it. Last evaluated 2026-02-01.

Conditions:
TTC7A-related disorder. Also called: TTC7A-related condition.
Multiple gastrointestinal atresias. Also called: Multiple intestinal atresia; FAMILIAL INTESTINAL POLYATRESIA SYNDROME. Identifiers: Orphanet 2300, MedGen C0220744, MONDO:0009465.

Allele frequency attached by ClinVar (database versions not stated): gnomAD exomes 0.00020 and 0.00046; ExAC 0.00062; gnomAD 0.00195 and 0.00207; ESP Exome Variant Server 0.00208; TOPMed 0.00209; 1000 Genomes Project 30x 0.00219; 1000 Genomes Project 0.00240.
gnomAD v4.1: 597 of 1,612,450 alleles (0.037%); highest among the groups gnomAD compares: African/African-American, 0.71%; 1 homozygote.

Submissions (4):

Labcorp Genetics (formerly Invitae), Labcorp
Classification: Likely benign for Multiple gastrointestinal atresias. Last evaluated: 2026-02-01. Review status: criteria provided, single submitter. Criteria: Invitae Variant Classification Sherloc (09022015). Collection method: clinical testing. Allele origin: germline.

Blueprint Genetics
Classification: Uncertain significance. Last evaluated: 2024-11-13. Review status: criteria provided, single submitter. Criteria: ACMG Guidelines, 2015. Collection method: clinical testing. Allele origin: germline.

Breakthrough Genomics
Classification: Likely benign. Review status: criteria provided, single submitter. Criteria: ACMG Guidelines, 2015. Collection method: not provided. Allele origin: germline. Inheritance: Autosomal recessive inheritance. Affected: yes.

PreventionGenetics, part of Exact Sciences
Classification: Benign for TTC7A-related condition. Last evaluated: 2019-07-08. Review status: no assertion criteria provided. Collection method: clinical testing. Allele origin: germline. Not counted in ClinVar's aggregate classification.
Comment: This variant is classified as benign based on ACMG/AMP sequence variant interpretation guidelines (Richards et al. 2015 PMID: 25741868, with internal and published modifications).